The following is an entry in ClinVar:

NM_001102416.3(KNG1):c.166T>G (p.Leu56Val)

Gene: KNG1 (kininogen 1; plus strand). Cytogenetic location: 3q27.3.
Variant type: single nucleotide variant.
Coding change: c.166T>G on transcript NM_001102416.3 (MANE Select); coding-DNA position 166, T replaced by G.
Protein change: p.Leu56Val; replaces leucine 56 with valine.
Molecular consequence: missense variant.
Genome position (GRCh38, 1-based): chr3:186,717,708, T>G. VCF-style: chr3-186717708-T-G. GRCh37 (hg19) VCF-style: chr3-186435497-T-G.
Other names: c.166T>G, p.Leu56Val (NM_000893.4, NM_001166451.2); c.166T>G (NM_001102416.2); short protein forms L56V.
Identifiers: ClinVar variation 2431559 (VCV002431559.3), dbSNP rs186409594, ClinGen allele CA2746023.

ClinVar aggregate classification (germline): Uncertain significance. Review status: criteria provided, single submitter (1 of 4 stars). 2 submissions from 2 submitters: Uncertain significance (1). 1 of the submissions does not count toward it. Last evaluated 2022-09-06.

Conditions:
Angioedema, hereditary, 6. Identifiers: MedGen C5543516, MONDO:0023660, OMIM 619363.
KNG1-related disorder. Also called: KNG1-related condition.

Allele frequency attached by ClinVar (database versions not stated): TOPMed 0.00016; gnomAD 0.00027; gnomAD exomes 0.00046; ExAC 0.00055; 1000 Genomes Project 30x 0.00109; 1000 Genomes Project 0.00120.
gnomAD v4.1: 695 of 1,613,130 alleles (0.043%); highest among the groups gnomAD compares: East Asian, 1.5%; 11 homozygotes.

Submissions (2):

Laboratorio de Genetica e Diagnostico Molecular, Hospital Israelita Albert Einstein
Classification: Uncertain significance for Angioedema, hereditary, 6. Last evaluated: 2022-09-06. Review status: criteria provided, single submitter. Criteria: ACMG Guidelines, 2015. Collection method: clinical testing. Allele origin: germline. Affected: yes. Observed: 1 variant allele.
Comment: ACMG classification criteria: BP4 supporting

PreventionGenetics, part of Exact Sciences
Classification: Likely benign for KNG1-related condition. Last evaluated: 2020-05-15. Review status: no assertion criteria provided. Collection method: clinical testing. Allele origin: germline. Not counted in ClinVar's aggregate classification.
Comment: This variant is classified as likely benign based on ACMG/AMP sequence variant interpretation guidelines (Richards et al. 2015 PMID: 25741868, with internal and published modifications).